The following is an entry in ClinVar:

ClinVar aggregate classification (germline): Benign/Likely benign. Review status: criteria provided, multiple submitters, no conflicts (2 of 4 stars). 6 submissions from 5 submitters: Benign (1); Likely benign (5). Last evaluated 2026-01-18.

Conditions:
Stickler syndrome type 1 (STL1). Also called: COL2A1-Related Stickler Syndrome; ARTHROOPHTHALMOPATHY, HEREDITARY PROGRESSIVE; STICKLER SYNDROME, MEMBRANOUS VITREOUS TYPE; STICKLER SYNDROME, VITREOUS TYPE 1. Identifiers: Orphanet 828, Orphanet 90653, MedGen C2020284, MONDO:0007160, OMIM 108300.
Type 2 collagenopathy. Identifiers: Orphanet 93421, MedGen C2931073, MONDO:0022800.

Allele frequency attached by ClinVar (database versions not stated): ESP Exome Variant Server 0.00008; gnomAD exomes 0.00008 and 0.00032; TOPMed 0.00026; gnomAD 0.00031 and 0.00033; ExAC 0.00035; 1000 Genomes Project 0.00140; 1000 Genomes Project 30x 0.00141.
gnomAD v4.1: 230 of 1,604,856 alleles (0.014%); highest among the groups gnomAD compares: East Asian, 0.17%; 1 homozygote.

Submissions (6):

Labcorp Genetics (formerly Invitae), Labcorp
Classification: Likely benign. Last evaluated: 2026-01-18. Review status: criteria provided, single submitter. Criteria: Invitae Variant Classification Sherloc (09022015). Collection method: clinical testing. Allele origin: germline.

Blueprint Genetics
Classification: Likely benign. Last evaluated: 2024-11-21. Review status: criteria provided, single submitter. Criteria: ACMG Guidelines, 2015. Collection method: clinical testing. Allele origin: germline.

GeneDx
Classification: Likely benign. Last evaluated: 2021-02-05. Review status: criteria provided, single submitter. Criteria: GeneDx Variant Classification Process June 2021. Collection method: clinical testing. Allele origin: germline. Affected: yes.

ARUP Laboratories, Molecular Genetics and Genomics, ARUP Laboratories
Classification: Likely benign. Last evaluated: 2019-08-12. Review status: criteria provided, single submitter. Criteria: ARUP Molecular Germline Variant Investigation Process. Collection method: clinical testing. Allele origin: germline.

Illumina Laboratory Services, Illumina
Classification: Likely benign for Stickler syndrome type 1. Last evaluated: 2018-01-12. Review status: criteria provided, single submitter. Criteria: ICSL Variant Classification Criteria 13 December 2019. Collection method: clinical testing. Allele origin: germline.
Comment: This variant was observed in the ICSL laboratory as part of a predisposition screen in an ostensibly healthy population. It had not been previously curated by ICSL or reported in the Human Gene Mutation Database (HGMD: prior to June 1st, 2018), and was therefore a candidate for classification through an automated scoring system. Utilizing variant allele frequency, disease prevalence and penetrance estimates, and inheritance mode, an automated score was calculated to assess if this variant is too frequent to cause the disease. Based on the score and internal cut-off values, a variant classified as likely benign is not then subjected to further curation. The score for this variant resulted in a classification of likely benign for this disease.

Illumina Laboratory Services, Illumina
Classification: Benign for Type II Collagenopathies. Last evaluated: 2018-01-12. Review status: criteria provided, single submitter. Criteria: ICSL Variant Classification Criteria 13 December 2019. Collection method: clinical testing. Allele origin: germline.
Comment: This variant was observed in the ICSL laboratory as part of a predisposition screen in an ostensibly healthy population. It had not been previously curated by ICSL or reported in the Human Gene Mutation Database (HGMD: prior to June 1st, 2018), and was therefore a candidate for classification through an automated scoring system. Utilizing variant allele frequency, disease prevalence and penetrance estimates, and inheritance mode, an automated score was calculated to assess if this variant is too frequent to cause the disease. Based on the score and internal cut-off values, a variant classified as benign is not then subjected to further curation. The score for this variant resulted in a classification of benign for this disease.

NM_001844.5(COL2A1):c.3327+3G>A

Gene: COL2A1 (collagen type II alpha 1 chain; minus strand). Cytogenetic location: 12q13.11.
Variant type: single nucleotide variant.
Coding change: c.3327+3G>A on transcript NM_001844.5 (MANE Select); 3 bases into the intron after coding-DNA position 3327, G replaced by A.
Molecular consequence: intron variant.
Genome position (GRCh38, 1-based): chr12:47,977,099, C>T on the plus strand (G>A on the coding strand, the complement: COL2A1 is on the minus strand). VCF-style: chr12-47977099-C-T. GRCh37 (hg19) VCF-style: chr12-48370882-C-T.
Other names: c.3120+3G>A (NM_033150.3).
Identifiers: ClinVar variation 308912 (VCV000308912.25), dbSNP rs192229438, ClinGen allele CA6534795.